The following is an entry in ClinVar:

NM_024426.6(WT1):c.896T>G (p.Leu299Ter)

Gene: WT1 (WT1 transcription factor; minus strand). Cytogenetic location: 11p13.
Variant type: single nucleotide variant.
Coding change: c.896T>G on transcript NM_024426.6 (MANE Select); coding-DNA position 896, T replaced by G.
Protein change: p.Leu299Ter; replaces leucine 299 with a stop codon.
Molecular consequence: nonsense. On other transcripts: non-coding transcript variant (2).
Genome position (GRCh38, 1-based): chr11:32,417,646, A>C on the plus strand (T>G on the coding strand, the complement: WT1 is on the minus strand). VCF-style: chr11-32417646-A-C. GRCh37 (hg19) VCF-style: chr11-32439192-A-C.
Other names: c.896T>G, p.Leu299Ter (NM_000378.6, NM_001407044.1, NM_001407045.1 and 4 more transcripts); c.245T>G, p.Leu82Ter (NM_001198551.2, NM_001198552.2); c.773T>G, p.Leu258Ter (NM_001407047.1, NM_001407050.1); c.134T>G, p.Leu45Ter (NM_001407051.1); c.677T>G, p.Leu226Ter (NM_001429031.1, NM_001429032.1, NM_001429033.1 and 1 more transcripts); short protein forms L226*, L258*, L294*, L299*, L45*, L82*.
Identifiers: ClinVar variation 4883242 (VCV004883242.2).

ClinVar aggregate classification (germline): Likely pathogenic (1 of 4 stars; one submission).

Submission:

Dasa
Classification: Likely pathogenic. Last evaluated: 2025-03-03. Review status: criteria provided, single submitter. Criteria: DASA Assertion Criteria. Collection method: clinical testing. Allele origin: germline.
Comment: NM_024426.6(WT1):c.896T>G (p.Leu299*) is a nonsense variant in WT1 predicted to introduce a premature termination codon and is predicted to result in an absent or altered protein product. Loss of function is an established disease mechanism for WT1 (PMID: 25613702; PMID: 17551084; PMID: 15503171). Published studies describe this variant in association with related phenotype (PMID: 38326647). Also, this variant is absent from population databases. Based on the currently available evidence, this variant is classified as likely pathogenic.

Literature cited by the submitters: PubMed 38326647; PubMed 25613702; PubMed 17551084; PubMed 15503171.